The following is an entry in ClinVar:

NM_206933.4(USH2A):c.14583-39A>G

Gene: USH2A (usherin; minus strand). Cytogenetic location: 1q41.
Variant type: single nucleotide variant.
Coding change: c.14583-39A>G on transcript NM_206933.4 (MANE Select); 39 bases into the intron before coding-DNA position 14583, A replaced by G.
Molecular consequence: intron variant.
Genome position (GRCh38, 1-based): chr1:215,647,769, T>C on the plus strand (A>G on the coding strand, the complement: USH2A is on the minus strand). VCF-style: chr1-215647769-T-C. GRCh37 (hg19) VCF-style: chr1-215821111-T-C.
Identifiers: ClinVar variation 1702785 (VCV001702785.2), dbSNP rs376014627, ClinGen allele CA1392981.

ClinVar aggregate classification (germline): Likely benign (1 of 4 stars; one submission).

Allele frequency attached by ClinVar (database versions not stated): TOPMed 0.00007; gnomAD 0.00040; gnomAD exomes 0.00063 and 0.00137; ExAC 0.00157; 1000 Genomes Project 0.00260; 1000 Genomes Project 30x 0.00281.
gnomAD v4.1: 990 of 1,606,308 alleles (0.062%); highest among the groups gnomAD compares: South Asian, 1%; 10 homozygotes.

Submission:

GeneDx
Classification: Likely benign. Last evaluated: 2022-02-15. Review status: criteria provided, single submitter. Criteria: GeneDx Variant Classification Process June 2021. Collection method: clinical testing. Allele origin: germline. Affected: yes.
Comment: See Variant Classification Assertion Criteria.